The following is an entry in ClinVar:

NM_019023.5(PRMT7):c.1324-3A>G

Gene: PRMT7 (protein arginine methyltransferase 7; plus strand). Cytogenetic location: 16q22.1.
Variant type: single nucleotide variant.
Coding change: c.1324-3A>G on transcript NM_019023.5 (MANE Select); 3 bases into the intron before coding-DNA position 1324, A replaced by G.
Molecular consequence: intron variant.
Genome position (GRCh38, 1-based): chr16:68,348,339, A>G. VCF-style: chr16-68348339-A-G. GRCh37 (hg19) VCF-style: chr16-68382242-A-G.
Other names: c.1087-3A>G (NM_001378022.1, NM_001378021.1, NM_001378023.1); c.1324-3A>G (NM_001351143.3, NM_001351144.3, NM_001378018.1 and 1 more transcripts); c.1174-3A>G (NM_001184824.4); c.1117-3A>G (NM_001378020.1).
Identifiers: ClinVar variation 2168510 (VCV002168510.2), dbSNP rs1367481700, ClinGen allele CA623155125.

ClinVar aggregate classification (germline): Uncertain significance (1 of 4 stars; one submission).

Allele frequency attached by ClinVar (database versions not stated): gnomAD exomes 0.00002; TOPMed 0.00002; gnomAD 0.00003.
gnomAD v4.1: 29 of 1,591,650 alleles (0.0018%); highest among the groups gnomAD compares: Admixed American, 0.0034%; no homozygotes.

Submission:

Labcorp Genetics (formerly Invitae), Labcorp
Classification: Uncertain significance. Last evaluated: 2025-03-07. Review status: criteria provided, single submitter. Criteria: Invitae Variant Classification Sherloc (09022015). Collection method: clinical testing. Allele origin: germline.
Comment: This sequence change falls in intron 13 of the PRMT7 gene. It does not directly change the encoded amino acid sequence of the PRMT7 protein. It affects a nucleotide within the consensus splice site. This variant is present in population databases (no rsID available, gnomAD 0.006%). This variant has not been reported in the literature in individuals affected with PRMT7-related conditions. ClinVar contains an entry for this variant (Variation ID: 2168510). Variants that disrupt the consensus splice site are a relatively common cause of aberrant splicing (PMID: 17576681, 9536098). Algorithms developed to predict the effect of sequence changes on RNA splicing suggest that this variant may disrupt the consensus splice site. In summary, the available evidence is currently insufficient to determine the role of this variant in disease. Therefore, it has been classified as a Variant of Uncertain Significance.

Literature cited by the submitters: PubMed 17576681; PubMed 9536098.